The following is an entry in ClinVar:

NM_207346.3(TSEN54):c.371G>T (p.Gly124Val)

Gene: TSEN54 (tRNA splicing endonuclease subunit 54; plus strand). Cytogenetic location: 17q25.1.
Variant type: single nucleotide variant.
Coding change: c.371G>T on transcript NM_207346.3 (MANE Select); coding-DNA position 371, G replaced by T.
Protein change: p.Gly124Val; replaces glycine 124 with valine.
Molecular consequence: missense variant.
Genome position (GRCh38, 1-based): chr17:75,517,558, G>T. VCF-style: chr17-75517558-G-T. GRCh37 (hg19) VCF-style: chr17-73513639-G-T.
Other names: short protein forms G124V.
Identifiers: ClinVar variation 495240 (VCV000495240.13), dbSNP rs774157225, ClinGen allele CA8764088.
Genomic context (GRCh38, chr17:75,517,558, plus strand): 5'-CATTCCTCTGTGGCACTGTAGTGAGGGCTCATAAGCTGAGCTGTTGGCCCCACTTCCAGG[G>T]CTCCATCCACCTCTTCCACCAAGACCTGCCACTGTCTATCCAGGAAGCTTACCAGCTGCT-3'
Protein context (NP_997229.2, residues 114-134): PEEALYLLEC[Gly124Val]SIHLFHQDLP

ClinVar aggregate classification (germline): Pathogenic/Likely pathogenic. Review status: criteria provided, multiple submitters, no conflicts (2 of 4 stars). 7 submissions from 7 submitters: Pathogenic (2); Likely pathogenic (4). 1 of the submissions does not count toward it. Last evaluated 2026-08-06.

Conditions:
TSEN54-related disorder. Also called: TSEN54-related condition.
Pontoneocerebellar hypoplasia. Also called: Non-syndromic pontocerebellar hypoplasia; Pontocerebellar hypoplasia. Identifiers: Orphanet 98523, MedGen C1261175, MONDO:0020135.
Pontocerebellar hypoplasia type 5 (PCH5). Also called: Pontocerebellar Hypoplasia Type 5 (PCH5). Identifiers: Orphanet 166068, MedGen C1857762, MONDO:0012438, OMIM 610204.
Pontocerebellar hypoplasia type 2A (PCH2A). Also called: PONTOCEREBELLAR HYPOPLASIA WITH PROGRESSIVE CEREBRAL ATROPHY; VOLENDAM NEURODEGENERATIVE DISEASE. Identifiers: Orphanet 2524, MedGen C1848526, MONDO:0010190, OMIM 277470.

Allele frequency attached by ClinVar (database versions not stated): ExAC 0.00002; gnomAD exomes 0.00001; TOPMed 0.00003; gnomAD 0.00002.
gnomAD v4.1: 9 of 1,613,432 alleles (0.00056%); highest among the groups gnomAD compares: Middle Eastern, 0.016%; no homozygotes.

Submissions (7):

OLLIN Analises Genomicas, OLLIN
Classification: Likely pathogenic for Pontocerebellar hypoplasia type 5. Last evaluated: 2026-08-06. Review status: criteria provided, single submitter. Criteria: ACMG Guidelines 2015 PMID 25741868. Collection method: clinical testing. Allele origin: germline. Inheritance: Autosomal recessive inheritance.
Comment: This missense variant, located in exon 5 (of 11), has been reported in ClinVar (accession VCV000495240.11), in gnomAD with an allele frequency of 0.00056%, and in the scientific literature, in compound heterozygosity, in individuals with TSEN54 related disorders (PMID: 20952379, 29302074, 30315573, 34580403). In silico analysis predicts that this variant has a deleterious effect. According to the currently available evidence, this variant has been classified as likely pathogenic (PS4_P, PM2_P, PM3, PP3_M).

Blueprint Genetics
Classification: Pathogenic for TSEN54-related disorders. Last evaluated: 2024-10-24. Review status: criteria provided, single submitter. Criteria: ACMG Guidelines, 2015. Collection method: clinical testing. Allele origin: germline. Affected: yes. Observed: 3 variant alleles.

Labcorp Genetics (formerly Invitae), Labcorp
Classification: Likely pathogenic. Last evaluated: 2024-05-15. Review status: criteria provided, single submitter. Criteria: Invitae Variant Classification Sherloc (09022015). Collection method: clinical testing. Allele origin: germline.
Comment: This sequence change replaces glycine, which is neutral and non-polar, with valine, which is neutral and non-polar, at codon 124 of the TSEN54 protein (p.Gly124Val). This variant is present in population databases (rs774157225, gnomAD 0.01%). This missense change has been observed in individuals with clinical features of pontocerebellar hypoplasia (PMID: 20952379, 29302074, 30315573, 34580403). ClinVar contains an entry for this variant (Variation ID: 495240). An algorithm developed to predict the effect of missense changes on protein structure and function (PolyPhen-2) suggests that this variant is likely to be disruptive. In summary, the currently available evidence indicates that the variant is pathogenic, but additional data are needed to prove that conclusively. Therefore, this variant has been classified as Likely Pathogenic.

Women's Health and Genetics/Laboratory Corporation of America, LabCorp
Classification: Pathogenic for Pontoneocerebellar hypoplasia. Last evaluated: 2023-01-04. Review status: criteria provided, single submitter. Criteria: LabCorp Variant Classification Summary - May 2015. Collection method: clinical testing. Allele origin: germline.
Comment: Variant summary: TSEN54 c.371G>T (p.Gly124Val) results in a non-conservative amino acid change located in the tRNA-splicing endonuclease, subunit Sen54, N-terminal domain (IPR024336) of the encoded protein sequence. Five of five in-silico tools predict a damaging effect of the variant on protein function. 4/4 computational tools predict no significant impact on normal splicing. However, these predictions have yet to be confirmed by functional studies. The variant allele was found at a frequency of 1.2e-05 in 251156 control chromosomes (gnomAD database). c.371G>T has been reported in the literature in individuals affected with Pontocerebellar Hypoplasia (PCH) (examples: Namavar_2011 and Pode-Shakked_2021) and intellectual disability with features of PCH (examples: Hu_2019 and Issa_2020). These data indicate that the variant is very likely to be associated with disease. To our knowledge, no experimental evidence demonstrating an impact on protein function has been reported. Four clinical diagnostic laboratories have submitted clinical-significance assessments for this variant to ClinVar after 2014 and classified the variant as VUS (n=1), likely pathogenic (n=2) and pathogenic (n=1). Based on the evidence outlined above, the variant was classified as pathogenic.

GeneDx
Classification: Likely pathogenic. Last evaluated: 2022-06-13. Review status: criteria provided, single submitter. Criteria: GeneDx Variant Classification Process June 2021. Collection method: clinical testing. Allele origin: germline. Affected: yes.
Comment: In silico analysis supports that this missense variant has a deleterious effect on protein structure/function; Not observed at significant frequency in large population cohorts (gnomAD); This variant is associated with the following publications: (PMID: 34426522, 31589614, 30315573, 29302074, 20952379, 32404165)

NeuroMeGen, Hospital Clinico Santiago de Compostela
Classification: Likely pathogenic for Pontocerebellar hypoplasia type 2A. Last evaluated: 2018-01-01. Review status: criteria provided, single submitter. Criteria: ACMG Guidelines, 2015. Collection method: clinical testing. Allele origin: paternal. Affected: yes. Observed: 1 compound heterozygote.

Pediatric Genetics Clinic, Sheba Medical Center
Classification: Pathogenic for Pontocerebellar hypoplasia type 2A. Last evaluated: 2021-05-13. Review status: no assertion criteria provided. Collection method: clinical testing. Allele origin: inherited. Affected: yes. Observed: 1 homozygote. Not counted in ClinVar's aggregate classification.

Literature cited by the submitters: PubMed 20952379 (cited by 3 submitters); PubMed 29302074 (cited by 3 submitters); PubMed 30315573 (cited by 3 submitters); PubMed 34580403 (cited by 3 submitters); PubMed 32404165 (cited by Women's Health and Genetics/Laboratory Corporation of America, LabCorp).